The following is an entry in ClinVar:

NM_000439.5(PCSK1):c.2129C>G (p.Pro710Arg)

Genes: CAST (calpastatin; plus strand), PCSK1 (proprotein convertase subtilisin/kexin type 1; minus strand), LOC101929710 (uncharacterized LOC101929710; plus strand). Cytogenetic location: 5q15.
Variant type: single nucleotide variant.
Coding change: c.2129C>G on transcript NM_000439.5 (MANE Select); coding-DNA position 2129, C replaced by G.
Protein change: p.Pro710Arg; replaces proline 710 with arginine.
Molecular consequence: missense variant.
Genome position (GRCh38, 1-based): chr5:96,393,134, G>C on the plus strand (C>G on the coding strand, the complement: PCSK1 is on the minus strand). VCF-style: chr5-96393134-G-C. GRCh37 (hg19) VCF-style: chr5-95728838-G-C.
Other names: c.1988C>G, p.Pro663Arg (NM_001177875.2); short protein forms P663R, P710R.
Identifiers: ClinVar variation 1337110 (VCV001337110.6), dbSNP rs199684712, ClinGen allele CA3350045.

ClinVar aggregate classification (germline): Uncertain significance. Review status: criteria provided, multiple submitters, no conflicts (2 of 4 stars). 3 submissions from 3 submitters: Uncertain significance (3). Last evaluated 2025-08-05.

Conditions:
Inborn genetic diseases. Identifiers: MedGen C0950123, MeSH D030342.
PCSK1-related disorder. Also called: PCSK1-related condition.

gnomAD v4.1: 5 of 1,614,172 alleles (0.00031%); highest among the groups gnomAD compares: Middle Eastern, 0.033%; no homozygotes.

Submissions (3):

PreventionGenetics, part of Exact Sciences
Classification: Uncertain significance for PCSK1-related condition. Last evaluated: 2025-08-05. Review status: criteria provided, single submitter. Criteria: ACMG Guidelines, 2015. Collection method: clinical testing. Allele origin: germline.
Comment: The PCSK1 c.2129C>G variant is predicted to result in the amino acid substitution p.Pro710Arg. This variant was reported in an individual with obesity; however, functional studies indicate this variant does not impact enzymatic activity of PC1/3 (Folon et al. 2023. PubMed ID: 36822744). This variant is reported in 0.00088% of alleles in individuals of European (Non-Finnish) descent in gnomAD. At this time, the clinical significance of this variant is uncertain due to the absence of conclusive functional and genetic evidence.

Ambry Genetics
Classification: Uncertain significance for Inborn genetic diseases. Last evaluated: 2024-08-11. Review status: criteria provided, single submitter. Criteria: Ambry Variant Classification Scheme 2023. Collection method: clinical testing. Allele origin: germline.

Genetic Services Laboratory, University of Chicago
Classification: Uncertain significance. Last evaluated: 2019-03-29. Review status: criteria provided, single submitter. Criteria: ACMG Guidelines, 2015. Collection method: clinical testing. Allele origin: germline. Affected: no.